The following is an entry in ClinVar:

ClinVar aggregate classification (germline): Uncertain significance (1 of 4 stars; one submission).

Conditions:
Neurofibromatosis, type 1 (NF1). Also called: VON RECKLINGHAUSEN DISEASE; Neurofibromatosis, type I; Peripheral type neurofibromatosis; NEUROFIBROMATOSIS, TYPE I, SOMATIC. Identifiers: Orphanet 636, MedGen C0027831, MONDO:0018975, OMIM 162200. Disease mechanism: loss of function.

Submission:

Labcorp Genetics (formerly Invitae), Labcorp
Classification: Uncertain significance for Neurofibromatosis, type 1. Last evaluated: 2023-04-06. Review status: criteria provided, single submitter. Criteria: Invitae Variant Classification Sherloc (09022015). Collection method: clinical testing. Allele origin: germline.
Comment: This sequence change replaces glycine, which is neutral and non-polar, with arginine, which is basic and polar, at codon 910 of the NF1 protein (p.Gly910Arg). This variant is not present in population databases (gnomAD no frequency). This missense change has been observed in individual(s) with NF1-related conditions (PMID: 26635368). Advanced modeling of protein sequence and biophysical properties (such as structural, functional, and spatial information, amino acid conservation, physicochemical variation, residue mobility, and thermodynamic stability) performed at Invitae indicates that this missense variant is expected to disrupt NF1 protein function. In summary, the available evidence is currently insufficient to determine the role of this variant in disease. Therefore, it has been classified as a Variant of Uncertain Significance.

Literature cited by the submitters: PubMed 26635368.

NM_001042492.3(NF1):c.2728G>C (p.Gly910Arg)

Gene: NF1 (neurofibromin 1; plus strand). Cytogenetic location: 17q11.2.
Variant type: single nucleotide variant.
Coding change: c.2728G>C on transcript NM_001042492.3 (MANE Select); coding-DNA position 2728, G replaced by C.
Protein change: p.Gly910Arg; replaces glycine 910 with arginine.
Molecular consequence: missense variant.
Genome position (GRCh38, 1-based): chr17:31,229,343, G>C. VCF-style: chr17-31229343-G-C. GRCh37 (hg19) VCF-style: chr17-29556361-G-C.
Other names: c.2728G>C, p.Gly910Arg (NM_000267.4); short protein forms G910R.
Identifiers: ClinVar variation 2852292 (VCV002852292.3), dbSNP rs1555614314, ClinGen allele CA398985200.
Genomic context (GRCh38, chr17:31,229,343, plus strand): 5'-CCTGTCAGCAAATTTATGGATCGGCTGTTGTCCTTAATGGTGTGTAACCATGAGAAAGTG[G>C]GACTTCAAATACGGACCAATGTTAAGGATCTGGTGGGTCTAGAATTGAGTCCTGCTCTGT-3'
Protein context (NP_001035957.1, residues 900-920): SLMVCNHEKV[Gly910Arg]LQIRTNVKDL